The following is an entry in ClinVar:

ClinVar aggregate classification (germline): Uncertain significance. Review status: criteria provided, multiple submitters, no conflicts (2 of 4 stars). 2 submissions from 2 submitters: Uncertain significance (2). Last evaluated 2022-11-07.

Conditions:
Hereditary cancer-predisposing syndrome. Also called: Hereditary neoplastic syndrome; Tumor predisposition; Neoplastic Syndromes, Hereditary; Hereditary Cancer Syndrome. Identifiers: Orphanet 140162, MedGen C0027672, MeSH D009386, MONDO:0015356.
Cardiovascular phenotype. Identifiers: MedGen CN230736.
Neurofibromatosis, type 1 (NF1). Also called: Peripheral type neurofibromatosis; VON RECKLINGHAUSEN DISEASE; NEUROFIBROMATOSIS, TYPE I, SOMATIC; Neurofibromatosis, type I. Identifiers: Orphanet 636, MedGen C0027831, MONDO:0018975, OMIM 162200. Disease mechanism: loss of function.

Submissions (2):

Ambry Genetics
Classification: Uncertain significance for Cardiovascular phenotype; Hereditary cancer-predisposing syndrome. Last evaluated: 2022-11-07. Review status: criteria provided, single submitter. Criteria: Ambry Variant Classification Scheme 2023. Collection method: clinical testing. Allele origin: germline.
Comment: The p.R2214I variant (also known as c.6641G>T), located in coding exon 43 of the NF1 gene, results from a G to T substitution at nucleotide position 6641. The amino acid change results in arginine to isoleucine at codon 2214, an amino acid with similar properties. However, this change occurs in the last base pair of coding exon 43, which makes it likely to have some effect on normal mRNA splicing. This nucleotide position is conserved through mammals. In silico splice site analysis predicts that this alteration may weaken the native splice donor site. RNA studies have demonstrated that this alteration does not result in abnormal splicing in the set of samples tested (Ambry internal data). This amino acid position is highly conserved through mammals but not in all available vertebrate species. In addition, as a missense substitution this is predicted to be inconclusive by in silico analysis. Since supporting evidence is limited at this time, the clinical significance of this alteration remains unclear.

Labcorp Genetics (formerly Invitae), Labcorp
Classification: Uncertain significance for Neurofibromatosis, type 1. Last evaluated: 2022-08-09. Review status: criteria provided, single submitter. Criteria: Invitae Variant Classification Sherloc (09022015). Collection method: clinical testing. Allele origin: germline.
Comment: In summary, the available evidence is currently insufficient to determine the role of this variant in disease. Therefore, it has been classified as a Variant of Uncertain Significance. Variants that disrupt the consensus splice site are a relatively common cause of aberrant splicing (PMID: 17576681, 9536098). Algorithms developed to predict the effect of sequence changes on RNA splicing suggest that this variant may disrupt the consensus splice site. Algorithms developed to predict the effect of missense changes on protein structure and function (SIFT, PolyPhen-2, Align-GVGD) all suggest that this variant is likely to be tolerated. ClinVar contains an entry for this variant (Variation ID: 962380). This variant has not been reported in the literature in individuals affected with NF1-related conditions. This variant is not present in population databases (gnomAD no frequency). This sequence change replaces arginine, which is basic and polar, with isoleucine, which is neutral and non-polar, at codon 2214 of the NF1 protein (p.Arg2214Ile). This variant also falls at the last nucleotide of exon 43, which is part of the consensus splice site for this exon.

Literature cited by the submitters: PubMed 17576681 (cited by Labcorp Genetics (formerly Invitae), Labcorp); PubMed 9536098 (cited by Labcorp Genetics (formerly Invitae), Labcorp).

NM_001042492.3(NF1):c.6704G>T (p.Arg2235Ile)

Gene: NF1 (neurofibromin 1; plus strand). Cytogenetic location: 17q11.2.
Variant type: single nucleotide variant.
Coding change: c.6704G>T on transcript NM_001042492.3 (MANE Select); coding-DNA position 6704, G replaced by T.
Protein change: p.Arg2235Ile; replaces arginine 2235 with isoleucine.
Molecular consequence: missense variant.
Genome position (GRCh38, 1-based): chr17:31,337,880, G>T. VCF-style: chr17-31337880-G-T. GRCh37 (hg19) VCF-style: chr17-29664898-G-T.
Other names: c.6641G>T, p.Arg2214Ile (NM_000267.4); short protein forms R2214I, R2235I.
Identifiers: ClinVar variation 962380 (VCV000962380.10), dbSNP rs2069719031, ClinGen allele CA399013963.